The following is an entry in ClinVar:

ClinVar aggregate classification (germline): Benign. Review status: criteria provided, multiple submitters, no conflicts (2 of 4 stars). 4 submissions from 4 submitters: Benign (3). 1 of the submissions does not count toward it. Last evaluated 2026-02-04.

Conditions:
Inborn genetic diseases. Identifiers: MedGen C0950123, MeSH D030342.

Allele frequency attached by ClinVar (database versions not stated): ESP Exome Variant Server 0.36848; TOPMed 0.40308; gnomAD 0.38118 and 0.37355; 1000 Genomes Project 0.42133; gnomAD exomes 0.27403 and 0.23050; ExAC 0.27838; 1000 Genomes Project 30x 0.43504.
gnomAD v4.1: 394,091 of 1,611,382 alleles (24%); highest among the groups gnomAD compares: African/African-American, 76%; 60,576 homozygotes.

Submissions (4):

Labcorp Genetics (formerly Invitae), Labcorp
Classification: Benign. Last evaluated: 2026-02-04. Review status: criteria provided, single submitter. Criteria: Invitae Variant Classification Sherloc (09022015). Collection method: clinical testing. Allele origin: germline.

Ambry Genetics
Classification: Benign for Inborn genetic diseases. Last evaluated: 2016-03-11. Review status: criteria provided, single submitter. Criteria: Ambry Variant Classification Scheme 2023. Collection method: clinical testing. Allele origin: germline.

Breakthrough Genomics
Classification: Benign. Review status: criteria provided, single submitter. Criteria: ACMG Guidelines, 2015. Collection method: not provided. Allele origin: germline. Inheritance: Autosomal recessive inheritance. Affected: yes.

Genetic Services Laboratory, University of Chicago
Classification: Likely benign for AllHighlyPenetrant. Review status: no assertion criteria provided. Collection method: clinical testing. Allele origin: germline. Inheritance: Autosomal recessive inheritance. Not counted in ClinVar's aggregate classification.
Comment: Likely benign based on allele frequency in 1000 Genomes Project or ESP global frequency and its presence in a patient with a rare or unrelated disease phenotype. NOT Sanger confirmed.

NM_017721.5(CC2D1A):c.1281T>C (p.Gly427=)

Gene: CC2D1A (coiled-coil and C2 domain containing 1A; plus strand). Cytogenetic location: 19p13.12.
Variant type: single nucleotide variant.
Coding change: c.1281T>C on transcript NM_017721.5 (MANE Select); coding-DNA position 1281, T replaced by C.
Protein change: p.Gly427=; no amino-acid change (glycine 427 retained).
Molecular consequence: synonymous variant.
Genome position (GRCh38, 1-based): chr19:13,919,876, T>C. VCF-style: chr19-13919876-T-C. GRCh37 (hg19) VCF-style: chr19-14030689-T-C.
Identifiers: ClinVar variation 128615 (VCV000128615.14), dbSNP rs10410239, ClinGen allele CA152190.